The following is an entry in ClinVar:

ClinVar aggregate classification (germline): Uncertain significance (1 of 4 stars; one submission).

Conditions:
Ullrich congenital muscular dystrophy 2 (UCMD2). Identifiers: Orphanet 75840, MedGen C4225314, MONDO:0014654, OMIM 616470.
Bethlem myopathy 2 (BTHLM2). Identifiers: Orphanet 536516, Orphanet 610, MedGen C4225313, MONDO:0034022, OMIM 616471.

gnomAD v4.1: 10 of 1,614,104 alleles (0.00062%); no homozygotes.

Submission:

Labcorp Genetics (formerly Invitae), Labcorp
Classification: Uncertain significance for Bethlem myopathy 2; Ullrich congenital muscular dystrophy 2. Last evaluated: 2024-02-17. Review status: criteria provided, single submitter. Criteria: Invitae Variant Classification Sherloc (09022015). Collection method: clinical testing. Allele origin: germline.
Comment: This sequence change replaces serine, which is neutral and polar, with glycine, which is neutral and non-polar, at codon 390 of the COL12A1 protein (p.Ser390Gly). This variant is present in population databases (rs753692463, gnomAD 0.03%). This variant has not been reported in the literature in individuals affected with COL12A1-related conditions. Advanced modeling of protein sequence and biophysical properties (such as structural, functional, and spatial information, amino acid conservation, physicochemical variation, residue mobility, and thermodynamic stability) performed at Invitae indicates that this missense variant is not expected to disrupt COL12A1 protein function with a negative predictive value of 80%. In summary, the available evidence is currently insufficient to determine the role of this variant in disease. Therefore, it has been classified as a Variant of Uncertain Significance.

NM_004370.6(COL12A1):c.1168A>G (p.Ser390Gly)

Gene: COL12A1 (collagen type XII alpha 1 chain; minus strand). Cytogenetic location: 6q13.
Variant type: single nucleotide variant.
Coding change: c.1168A>G on transcript NM_004370.6 (MANE Select); coding-DNA position 1168, A replaced by G.
Protein change: p.Ser390Gly; replaces serine 390 with glycine.
Molecular consequence: missense variant. On other transcripts: intron variant (2).
Genome position (GRCh38, 1-based): chr6:75,183,974, T>C on the plus strand (A>G on the coding strand, the complement: COL12A1 is on the minus strand). VCF-style: chr6-75183974-T-C. GRCh37 (hg19) VCF-style: chr6-75893690-T-C.
Other names: c.1168A>G, p.Ser390Gly (NM_001424113.1, NM_001424114.1, NM_001424115.1); c.73+18746A>G (NM_001424116.1, NM_080645.3); short protein forms S390G.
Identifiers: ClinVar variation 3763271 (VCV003763271.2).